The following is an entry in ClinVar:

ClinVar aggregate classification (germline): Uncertain significance (1 of 4 stars; one submission).

Conditions:
Hereditary cancer-predisposing syndrome. Also called: Hereditary Cancer Syndrome; Neoplastic Syndromes, Hereditary; Tumor predisposition; Hereditary neoplastic syndrome. Identifiers: Orphanet 140162, MedGen C0027672, MeSH D009386, MONDO:0015356.

Submission:

Ambry Genetics
Classification: Uncertain significance for Hereditary cancer-predisposing syndrome. Last evaluated: 2017-04-24. Review status: criteria provided, single submitter. Criteria: Ambry Variant Classification Scheme 2023. Collection method: clinical testing. Allele origin: germline.
Comment: The p.K480E variant (also known as c.1438A>G), located in coding exon 12 of the MRE11A gene, results from an A to G substitution at nucleotide position 1438. The lysine at codon 480 is replaced by glutamic acid, an amino acid with similar properties. This amino acid position is highly conserved in available vertebrate species. In addition, this alteration is predicted to be deleterious by in silico analysis. Since supporting evidence is limited at this time, the clinical significance of this alteration remains unclear.

NM_005591.4(MRE11):c.1438A>G (p.Lys480Glu)

Gene: MRE11 (MRE11 double strand break repair nuclease; minus strand). Cytogenetic location: 11q21.
Variant type: single nucleotide variant.
Coding change: c.1438A>G on transcript NM_005591.4 (MANE Select); coding-DNA position 1438, A replaced by G.
Protein change: p.Lys480Glu; replaces lysine 480 with glutamic acid.
Molecular consequence: missense variant.
Genome position (GRCh38, 1-based): chr11:94,459,470, T>C on the plus strand (A>G on the coding strand, the complement: MRE11 is on the minus strand). VCF-style: chr11-94459470-T-C. GRCh37 (hg19) VCF-style: chr11-94192636-T-C.
Other names: c.1438A>G, p.Lys480Glu (NM_001330347.2, NM_005590.4); short protein forms K480E.
Identifiers: ClinVar variation 479779 (VCV000479779.5), dbSNP rs1555009310, ClinGen allele CA382371809.